The following is an entry in ClinVar:

NM_001457.4(FLNB):c.2071C>T (p.Arg691Cys)

Gene: FLNB (filamin B; plus strand). Cytogenetic location: 3p14.3.
Variant type: single nucleotide variant.
Coding change: c.2071C>T on transcript NM_001457.4 (MANE Select); coding-DNA position 2071, C replaced by T.
Protein change: p.Arg691Cys; replaces arginine 691 with cysteine.
Molecular consequence: missense variant.
Genome position (GRCh38, 1-based): chr3:58,109,194, C>T. VCF-style: chr3-58109194-C-T. GRCh37 (hg19) VCF-style: chr3-58094921-C-T.
Other names: c.2071C>T, p.Arg691Cys (NM_001164317.2, NM_001164318.2, NM_001164319.2); c.2071C>T (NM_001457.3); short protein forms R691C.
Identifiers: ClinVar variation 1558875 (VCV001558875.8), dbSNP rs776421446, ClinGen allele CA2468020.
Genomic context (GRCh38, chr3:58,109,194, plus strand): 5'-ACAGTGTGAGGGCCACCTCTGGTCCTAGCTCTGGCTTTTTTGCAGGATGGGGAAGGCCAA[C>T]GCATTGACATCCAGATGAAGAACCGGATGGACGGCACATATGCATGCTCATACACCCCGG-3'
Protein context (NP_001448.2, residues 681-701): KIFAQDGEGQ[Arg691Cys]IDIQMKNRMD

ClinVar aggregate classification (germline): Conflicting classifications of pathogenicity. Review status: criteria provided, conflicting classifications (1 of 4 stars). 2 submissions from 2 submitters: Uncertain significance (1); Likely benign (1). Last evaluated 2026-02-01.

Allele frequency attached by ClinVar (database versions not stated): ExAC 0.00006; TOPMed 0.00008; gnomAD exomes 0.00004 and 0.00009; gnomAD 0.00010 and 0.00011.
gnomAD v4.1: 87 of 1,614,018 alleles (0.0054%); highest among the groups gnomAD compares: African/African-American, 0.013%; no homozygotes.

Submissions (2):

Labcorp Genetics (formerly Invitae), Labcorp
Classification: Likely benign. Last evaluated: 2026-02-01. Review status: criteria provided, single submitter. Criteria: Invitae Variant Classification Sherloc (09022015). Collection method: clinical testing. Allele origin: germline.

GeneDx
Classification: Uncertain significance. Last evaluated: 2023-01-12. Review status: criteria provided, single submitter. Criteria: GeneDx Variant Classification Process June 2021. Collection method: clinical testing. Allele origin: germline. Affected: yes.
Comment: In silico analysis supports that this missense variant does not alter protein structure/function; Has not been previously published as pathogenic or benign to our knowledge